The following is an entry in ClinVar:

NM_138409.4(MRAP2):c.607G>T (p.Asp203Tyr)

Gene: MRAP2 (melanocortin 2 receptor accessory protein 2; plus strand). Cytogenetic location: 6q14.2.
Variant type: single nucleotide variant.
Coding change: c.607G>T on transcript NM_138409.4 (MANE Select); coding-DNA position 607, G replaced by T.
Protein change: p.Asp203Tyr; replaces aspartic acid 203 with tyrosine.
Molecular consequence: missense variant.
Genome position (GRCh38, 1-based): chr6:84,089,470, G>T. VCF-style: chr6-84089470-G-T. GRCh37 (hg19) VCF-style: chr6-84799189-G-T.
Other names: c.349G>T, p.Asp117Tyr (NM_001346541.2); c.607G>T, p.Asp203Tyr (NM_001346542.2, NM_001346544.2); c.442G>T, p.Asp148Tyr (NM_001346543.2); short protein forms D117Y, D148Y, D203Y.
Identifiers: ClinVar variation 3351381 (VCV003351381.2).

ClinVar aggregate classification (germline): Uncertain significance. Review status: criteria provided, single submitter (1 of 4 stars). 2 submissions from 2 submitters: Uncertain significance (1). 1 of the submissions does not count toward it. Last evaluated 2025-04-23.

Conditions:
MRAP2-related disorder. Also called: MRAP2-related condition.

gnomAD v4.1: 23 of 1,611,996 alleles (0.0014%); highest among the groups gnomAD compares: Non-Finnish European, 0.002%; no homozygotes.

Submissions (2):

Labcorp Genetics (formerly Invitae), Labcorp
Classification: Uncertain significance. Last evaluated: 2025-04-23. Review status: criteria provided, single submitter. Criteria: Invitae Variant Classification Sherloc (09022015). Collection method: clinical testing. Allele origin: germline.
Comment: This sequence change replaces aspartic acid, which is acidic and polar, with tyrosine, which is neutral and polar, at codon 203 of the MRAP2 protein (p.Asp203Tyr). This variant is present in population databases (rs745679228, gnomAD 0.004%). This variant has not been reported in the literature in individuals affected with MRAP2-related conditions. ClinVar contains an entry for this variant (Variation ID: 3351381). An algorithm developed to predict the effect of missense changes on protein structure and function (PolyPhen-2) suggests that this variant is likely to be disruptive. In summary, the available evidence is currently insufficient to determine the role of this variant in disease. Therefore, it has been classified as a Variant of Uncertain Significance.

PreventionGenetics, part of Exact Sciences
Classification: Uncertain significance for MRAP2-related condition. Last evaluated: 2024-06-28. Review status: no assertion criteria provided. Collection method: clinical testing. Allele origin: germline. Not counted in ClinVar's aggregate classification.
Comment: The MRAP2 c.607G>T variant is predicted to result in the amino acid substitution p.Asp203Tyr. This variant has been observed in multiple individuals who have undergone testing for obesity phenotypes at PreventionGenetics (internal data). To our knowledge, this variant has not been reported in the literature in an individual with obesity but has been reported in one normal-weight control individual in a large MRAP2 case-control study (Baron et al. 2019. PubMed ID: 31700171). This variant is reported in 0.0048% of alleles in individuals of European (Non-Finnish) descent in gnomAD. At this time, the clinical significance of this variant is uncertain due to the absence of conclusive functional and genetic evidence.